The following is an entry in ClinVar:

NM_004104.5(FASN):c.2452C>T (p.Pro818Ser)

Gene: FASN (fatty acid synthase; minus strand). Cytogenetic location: 17q25.3.
Variant type: single nucleotide variant.
Coding change: c.2452C>T on transcript NM_004104.5 (MANE Select); coding-DNA position 2452, C replaced by T.
Protein change: p.Pro818Ser; replaces proline 818 with serine.
Molecular consequence: missense variant.
Genome position (GRCh38, 1-based): chr17:82,088,531, G>A on the plus strand (C>T on the coding strand, the complement: FASN is on the minus strand). VCF-style: chr17-82088531-G-A. GRCh37 (hg19) VCF-style: chr17-80046407-G-A.
Other names: c.2452C>T (NM_004104.4); short protein forms P818S.
Identifiers: ClinVar variation 1365783 (VCV001365783.9), dbSNP rs762145412, ClinGen allele CA8852773.
Genomic context (GRCh38, chr17:82,088,531, plus strand): 5'-GGTCCCACTTGATGAGTGGGGAGATGAGGGGAGTTCCTCGGGGAGCTGGGAACTCCACAG[G>A]TGGGAACAAGGCATTGGGGTTGGCGTCGATGCTACGGAGAAGGGAGGCATGGGTAGCACA-3'
Protein context (NP_004095.4, residues 808-828): IDANPNALFP[Pro818Ser]VEFPAPRGTP

ClinVar aggregate classification (germline): Uncertain significance. Review status: criteria provided, multiple submitters, no conflicts (2 of 4 stars). 2 submissions from 2 submitters: Uncertain significance (2). Last evaluated 2024-01-23.

Conditions:
Epileptic encephalopathy. Identifiers: MedGen C0543888, HP:0200134.

Allele frequency attached by ClinVar (database versions not stated): gnomAD 0.00001 and 0.00002; TOPMed 0.00002; gnomAD exomes 0.00005 and 0.00010; ExAC 0.00012.
gnomAD v4.1: 78 of 1,607,798 alleles (0.0049%); highest among the groups gnomAD compares: Middle Eastern, 0.099%; no homozygotes.

Submissions (2):

Ambry Genetics
Classification: Uncertain significance. Last evaluated: 2024-01-23. Review status: criteria provided, single submitter. Criteria: Ambry Variant Classification Scheme 2023. Collection method: clinical testing. Allele origin: germline.

Labcorp Genetics (formerly Invitae), Labcorp
Classification: Uncertain significance for Epileptic encephalopathy. Last evaluated: 2023-04-03. Review status: criteria provided, single submitter. Criteria: Invitae Variant Classification Sherloc (09022015). Collection method: clinical testing. Allele origin: germline.
Comment: This variant is present in population databases (rs762145412, gnomAD 0.06%), and has an allele count higher than expected for a pathogenic variant. This sequence change replaces proline, which is neutral and non-polar, with serine, which is neutral and polar, at codon 818 of the FASN protein (p.Pro818Ser). This variant has not been reported in the literature in individuals affected with FASN-related conditions. In summary, the available evidence is currently insufficient to determine the role of this variant in disease. Therefore, it has been classified as a Variant of Uncertain Significance. An algorithm developed to predict the effect of missense changes on protein structure and function (PolyPhen-2) suggests that this variant is likely to be tolerated. ClinVar contains an entry for this variant (Variation ID: 1365783).